The following is an entry in ClinVar:

ClinVar aggregate classification (germline): Uncertain significance. Review status: criteria provided, multiple submitters, no conflicts (2 of 4 stars). 2 submissions from 2 submitters: Uncertain significance (2). Last evaluated 2025-08-03.

Conditions:
Mucopolysaccharidosis type 1. Also called: IDUA deficiency; MPS I. Identifiers: Orphanet 579, MedGen C0023786, MONDO:0001586.
Inborn genetic diseases. Identifiers: MedGen C0950123, MeSH D030342.

Allele frequency attached by ClinVar (database versions not stated): gnomAD 0.00001; gnomAD exomes 0.00003; ExAC 0.00008.
gnomAD v4.1: 41 of 1,612,356 alleles (0.0025%); highest among the groups gnomAD compares: South Asian, 0.036%; no homozygotes.

Submissions (2):

Ambry Genetics
Classification: Uncertain significance for Inborn genetic diseases. Last evaluated: 2025-08-03. Review status: criteria provided, single submitter. Criteria: Ambry Variant Classification Scheme 2023. Collection method: clinical testing. Allele origin: germline.
Comment: The p.Q60R variant (also known as c.179A>G), located in coding exon 2 of the IDUA gene, results from an A to G substitution at nucleotide position 179. The glutamine at codon 60 is replaced by arginine, an amino acid with highly similar properties. This amino acid position is conserved. In addition, this alteration is predicted to be tolerated by in silico analysis. Based on the available evidence, the clinical significance of this variant remains unclear.

Labcorp Genetics (formerly Invitae), Labcorp
Classification: Uncertain significance for Mucopolysaccharidosis type 1. Last evaluated: 2022-06-13. Review status: criteria provided, single submitter. Criteria: Invitae Variant Classification Sherloc (09022015). Collection method: clinical testing. Allele origin: germline.
Comment: This sequence change replaces glutamine, which is neutral and polar, with arginine, which is basic and polar, at codon 60 of the IDUA protein (p.Gln60Arg). This variant is present in population databases (rs773238336, gnomAD 0.05%). This variant has not been reported in the literature in individuals affected with IDUA-related conditions. Advanced modeling of protein sequence and biophysical properties (such as structural, functional, and spatial information, amino acid conservation, physicochemical variation, residue mobility, and thermodynamic stability) performed at Invitae indicates that this missense variant is not expected to disrupt IDUA protein function. In summary, the available evidence is currently insufficient to determine the role of this variant in disease. Therefore, it has been classified as a Variant of Uncertain Significance.

NM_000203.5(IDUA):c.179A>G (p.Gln60Arg)

Genes: IDUA (alpha-L-iduronidase; plus strand), SLC26A1 (solute carrier family 26 member 1; minus strand). Cytogenetic location: 4p16.3.
Variant type: single nucleotide variant.
Coding change: c.179A>G on transcript NM_000203.5 (MANE Select); coding-DNA position 179, A replaced by G.
Protein change: p.Gln60Arg; replaces glutamine 60 with arginine.
Molecular consequence: missense variant. On other transcripts: 3 prime UTR variant (2), non-coding transcript variant (1), intron variant (1).
Genome position (GRCh38, 1-based): chr4:987,829, A>G. VCF-style: chr4-987829-A-G. GRCh37 (hg19) VCF-style: chr4-981617-A-G.
Other names: c.*1004T>C (NM_022042.4, NM_213613.4); c.576+3299T>C (NM_134425.4); short protein forms Q60R.
Identifiers: ClinVar variation 2166001 (VCV002166001.4), dbSNP rs773238336, ClinGen allele CA2801132.